The following is an entry in ClinVar:

ClinVar aggregate classification (germline): Uncertain significance (0 of 4 stars; one submission).

Conditions:
CEP290-related disorder. Also called: CEP290-related condition; CEP290-related disorders. Identifiers: MedGen CN239314.

gnomAD v4.1: 5 of 1,613,272 alleles (0.00031%); highest among the groups gnomAD compares: Non-Finnish European, 0.00042%; no homozygotes.

Submission:

PreventionGenetics, part of Exact Sciences
Classification: Uncertain significance for CEP290-related condition. Last evaluated: 2024-09-03. Review status: no assertion criteria provided. Collection method: clinical testing. Allele origin: germline.
Comment: The CEP290 c.5174A>G variant is predicted to result in the amino acid substitution p.Asn1725Ser. To our knowledge, this variant has not been reported in the literature. This variant is reported in 0.0018% of alleles in individuals of European (Non-Finnish) descent in gnomAD. At this time, the clinical significance of this variant is uncertain due to the absence of conclusive functional and genetic evidence.

NM_025114.4(CEP290):c.5174A>G (p.Asn1725Ser)

Gene: CEP290 (centrosomal protein 290; minus strand). Cytogenetic location: 12q21.32.
Variant type: single nucleotide variant.
Coding change: c.5174A>G on transcript NM_025114.4 (MANE Select); coding-DNA position 5174, A replaced by G.
Protein change: p.Asn1725Ser; replaces asparagine 1725 with serine.
Molecular consequence: missense variant.
Genome position (GRCh38, 1-based): chr12:88,080,234, T>C on the plus strand (A>G on the coding strand, the complement: CEP290 is on the minus strand). VCF-style: chr12-88080234-T-C. GRCh37 (hg19) VCF-style: chr12-88474011-T-C.
Other names: short protein forms N1725S.
Identifiers: ClinVar variation 3357371 (VCV003357371.1).
Genomic context (GRCh38, chr12:88,080,234, plus strand): 5'-TTACTTACTTTCTGTTGTTTCTCCTTCAAGGCTAATTGGCTCTTTAGCCGTTCTACTAGA[T>C]TTCTCATTGTAGTTGTTGGAGCTCTTGAATTTGCTTCTTTTTGAGCCTGAAGTTCAGATT-3'
Protein context (NP_079390.3, residues 1715-1735): NSRAPTTTMR[Asn1725Ser]LVERLKSQLA